The following is an entry in ClinVar:

ClinVar aggregate classification (germline): Uncertain significance (1 of 4 stars; one submission).

Conditions:
ODC1-related disorder. Also called: ODC1-related condition.

Allele frequency attached by ClinVar (database versions not stated): gnomAD exomes below 0.00001; TOPMed 0.00002.
gnomAD v4.1: 3 of 1,614,134 alleles (0.00019%); highest among the groups gnomAD compares: South Asian, 0.0022%; no homozygotes.

Submission:

PreventionGenetics, part of Exact Sciences
Classification: Uncertain significance for ODC1-related condition. Last evaluated: 2023-06-01. Review status: criteria provided, single submitter. Criteria: ACMG Guidelines, 2015. Collection method: clinical testing. Allele origin: germline.
Comment: The ODC1 c.575T>C variant is predicted to result in the amino acid substitution p.Val192Ala. To our knowledge, this variant has not been reported in the literature. This variant is reported in 0.0033% of alleles in individuals of South Asian descent in gnomAD. At this time, the clinical significance of this variant is uncertain due to the absence of conclusive functional and genetic evidence.

NM_002539.3(ODC1):c.575T>C (p.Val192Ala)

Gene: ODC1 (ornithine decarboxylase 1; minus strand). Cytogenetic location: 2p25.1.
Variant type: single nucleotide variant.
Coding change: c.575T>C on transcript NM_002539.3 (MANE Select); coding-DNA position 575, T replaced by C.
Protein change: p.Val192Ala; replaces valine 192 with alanine.
Molecular consequence: missense variant.
Genome position (GRCh38, 1-based): chr2:10,443,711, A>G on the plus strand (T>C on the coding strand, the complement: ODC1 is on the minus strand). VCF-style: chr2-10443711-A-G. GRCh37 (hg19) VCF-style: chr2-10583837-A-G.
Other names: c.188T>C, p.Val63Ala (NM_001287188.2); c.575T>C, p.Val192Ala (NM_001287189.2, NM_001287190.2); short protein forms V192A, V63A.
Identifiers: ClinVar variation 2635918 (VCV002635918.1), dbSNP rs1301787958, ClinGen allele CA345815059.